The following is an entry in ClinVar:

ClinVar aggregate classification (germline): Uncertain significance (1 of 4 stars; one submission).

Conditions:
LAMA2-related muscular dystrophy (LAMA2-RD). Also called: Laminin alpha 2-related dystrophy. Identifiers: MedGen C5679788, MONDO:0100228.

Submission:

Labcorp Genetics (formerly Invitae), Labcorp
Classification: Uncertain significance for LAMA2-related muscular dystrophy. Last evaluated: 2022-04-26. Review status: criteria provided, single submitter. Criteria: Invitae Variant Classification Sherloc (09022015). Collection method: clinical testing. Allele origin: germline.
Comment: In summary, the available evidence is currently insufficient to determine the role of this variant in disease. Therefore, it has been classified as a Variant of Uncertain Significance. Advanced modeling of protein sequence and biophysical properties (such as structural, functional, and spatial information, amino acid conservation, physicochemical variation, residue mobility, and thermodynamic stability) performed at Invitae indicates that this missense variant is not expected to disrupt LAMA2 protein function. This variant has not been reported in the literature in individuals affected with LAMA2-related conditions. This variant is not present in population databases (gnomAD no frequency). This sequence change replaces threonine, which is neutral and polar, with serine, which is neutral and polar, at codon 2895 of the LAMA2 protein (p.Thr2895Ser).

NM_000426.4(LAMA2):c.8683A>T (p.Thr2895Ser)

Gene: LAMA2 (laminin subunit alpha 2; plus strand). Cytogenetic location: 6q22.33.
Variant type: single nucleotide variant.
Coding change: c.8683A>T on transcript NM_000426.4 (MANE Select); coding-DNA position 8683, A replaced by T.
Protein change: p.Thr2895Ser; replaces threonine 2895 with serine.
Molecular consequence: missense variant.
Genome position (GRCh38, 1-based): chr6:129,505,335, A>T. VCF-style: chr6-129505335-A-T. GRCh37 (hg19) VCF-style: chr6-129826480-A-T.
Other names: c.8671A>T, p.Thr2891Ser (NM_001079823.2); short protein forms T2895S, T2891S.
Identifiers: ClinVar variation 2043503 (VCV002043503.4), dbSNP rs1240046485, ClinGen allele CA365635019.
Genomic context (GRCh38, chr6:129,505,335, plus strand): 5'-AAAGCCGACATCCTGGATGTCGTGGGAATGCTGTATGTTGGTGGGTTACCCATCAACTAC[A>T]CTACCCGAAGAATTGGTCCAGTAAATATCTGATTTCTTCTTTATTACTTAAATATATGGC-3'
Protein context (NP_000417.3, residues 2885-2905): LYVGGLPINY[Thr2895Ser]TRRIGPVTYS